The following is an entry in ClinVar:

ClinVar aggregate classification (germline): Conflicting classifications of pathogenicity. Review status: criteria provided, conflicting classifications (1 of 4 stars). 2 submissions from 2 submitters: Uncertain significance (1); Likely benign (1). Last evaluated 2022-07-13.

Conditions:
Inborn genetic diseases. Identifiers: MedGen C0950123, MeSH D030342.

Allele frequency attached by ClinVar (database versions not stated): ExAC 0.00002; gnomAD 0.00002.

Submissions (2):

Ambry Genetics
Classification: Likely benign for Inborn genetic diseases. Last evaluated: 2022-07-13. Review status: criteria provided, single submitter. Criteria: Ambry Variant Classification Scheme 2023. Collection method: clinical testing. Allele origin: germline.

Labcorp Genetics (formerly Invitae), Labcorp
Classification: Uncertain significance. Last evaluated: 2021-10-22. Review status: criteria provided, single submitter. Criteria: Invitae Variant Classification Sherloc (09022015). Collection method: clinical testing. Allele origin: germline.
Comment: This sequence change replaces valine with isoleucine at codon 780 of the ERCC6 protein (p.Val780Ile). The valine residue is moderately conserved and there is a small physicochemical difference between valine and isoleucine. This variant is present in population databases (rs762128995, ExAC 0.003%). This variant has not been reported in the literature in individuals with ERCC6-related conditions. Algorithms developed to predict the effect of missense changes on protein structure and function output the following: SIFT: "Tolerated"; PolyPhen-2: "Benign"; Align-GVGD: "Class C0". The isoleucine amino acid residue is found in multiple mammalian species, suggesting that this missense change does not adversely affect protein function. These predictions have not been confirmed by published functional studies and their clinical significance is uncertain. In summary, the available evidence is currently insufficient to determine the role of this variant in disease. Therefore, it has been classified as a Variant of Uncertain Significance.

NM_000124.4(ERCC6):c.2338G>A (p.Val780Ile)

Gene: ERCC6 (ERCC excision repair 6, chromatin remodeling factor; minus strand). Cytogenetic location: 10q11.23.
Variant type: single nucleotide variant.
Coding change: c.2338G>A on transcript NM_000124.4 (MANE Select); coding-DNA position 2338, G replaced by A.
Protein change: p.Val780Ile; replaces valine 780 with isoleucine.
Molecular consequence: missense variant.
Genome position (GRCh38, 1-based): chr10:49,476,259, C>T on the plus strand (G>A on the coding strand, the complement: ERCC6 is on the minus strand). VCF-style: chr10-49476259-C-T. GRCh37 (hg19) VCF-style: chr10-50684305-C-T.
Other names: c.2338G>A, p.Val780Ile (NM_001346440.2); short protein forms V780I.
Identifiers: ClinVar variation 2177401 (VCV002177401.2), dbSNP rs762128995, ClinGen allele CA5495690.